The following is an entry in ClinVar:

NM_001003841.3(SLC6A19):c.1062C>G (p.Asn354Lys)

Gene: SLC6A19 (solute carrier family 6 member 19; plus strand). Cytogenetic location: 5p15.33.
Variant type: single nucleotide variant.
Coding change: c.1062C>G on transcript NM_001003841.3 (MANE Select); coding-DNA position 1062, C replaced by G.
Protein change: p.Asn354Lys; replaces asparagine 354 with lysine.
Molecular consequence: missense variant.
Genome position (GRCh38, 1-based): chr5:1,216,834, C>G. VCF-style: chr5-1216834-C-G. GRCh37 (hg19) VCF-style: chr5-1216949-C-G.
Other names: short protein forms N354K.
Identifiers: ClinVar variation 3623842 (VCV003623842.2).

ClinVar aggregate classification (germline): Uncertain significance (1 of 4 stars; one submission).

Submission:

Labcorp Genetics (formerly Invitae), Labcorp
Classification: Uncertain significance. Last evaluated: 2024-04-27. Review status: criteria provided, single submitter. Criteria: Invitae Variant Classification Sherloc (09022015). Collection method: clinical testing. Allele origin: germline.
Comment: This sequence change replaces asparagine, which is neutral and polar, with lysine, which is basic and polar, at codon 354 of the SLC6A19 protein (p.Asn354Lys). This variant is present in population databases (no rsID available, gnomAD 0.0009%). This variant has not been reported in the literature in individuals affected with SLC6A19-related conditions. Advanced modeling of protein sequence and biophysical properties (such as structural, functional, and spatial information, amino acid conservation, physicochemical variation, residue mobility, and thermodynamic stability) performed at Invitae indicates that this missense variant is not expected to disrupt SLC6A19 protein function with a negative predictive value of 95%. In summary, the available evidence is currently insufficient to determine the role of this variant in disease. Therefore, it has been classified as a Variant of Uncertain Significance.